The following is an entry in ClinVar:

NM_012330.4(KAT6B):c.5809G>T (p.Ala1937Ser)

Gene: KAT6B (lysine acetyltransferase 6B; plus strand). Cytogenetic location: 10q22.2.
Variant type: single nucleotide variant.
Coding change: c.5809G>T on transcript NM_012330.4 (MANE Select); coding-DNA position 5809, G replaced by T.
Protein change: p.Ala1937Ser; replaces alanine 1937 with serine.
Molecular consequence: missense variant.
Genome position (GRCh38, 1-based): chr10:75,030,633, G>T. VCF-style: chr10-75030633-G-T. GRCh37 (hg19) VCF-style: chr10-76790391-G-T.
Other names: c.5260G>T, p.Ala1754Ser (NM_001256468.2, NM_001370138.1); c.4933G>T, p.Ala1645Ser (NM_001256469.2, NM_001370139.1, NM_001370140.1 and 2 more transcripts); c.4771G>T, p.Ala1591Ser (NM_001370132.1); c.4120G>T, p.Ala1374Ser (NM_001370133.1); c.3724G>T, p.Ala1242Ser (NM_001370134.1); c.3466G>T, p.Ala1156Ser (NM_001370135.1); c.5809G>T, p.Ala1937Ser (NM_001370136.1, NM_001370137.1); c.4744G>T, p.Ala1582Ser (NM_001370143.1, NM_001370144.1); short protein forms A1937S, A1582S, A1591S, A1754S, A1156S, A1242S, A1645S, A1374S.
Identifiers: ClinVar variation 300899 (VCV000300899.7), dbSNP rs772444140, ClinGen allele CA5565259.

ClinVar aggregate classification (germline): Uncertain significance (1 of 4 stars; one submission).

Conditions:
Genitopatellar syndrome (GTPTS). Also called: ABSENT PATELLAE, SCROTAL HYPOPLASIA, RENAL ANOMALIES, FACIAL DYSMORPHISM, AND MENTAL RETARDATION; Genitopatellar syndrome (GPS). Identifiers: Orphanet 85201, MedGen C1853566, MONDO:0011640, OMIM 606170.

Allele frequency attached by ClinVar (database versions not stated): gnomAD 0.00001; TOPMed 0.00001; gnomAD exomes 0.00002 and 0.00004; ExAC 0.00003.
gnomAD v4.1: 28 of 1,613,412 alleles (0.0017%); highest among the groups gnomAD compares: Non-Finnish European, 0.00051%; no homozygotes.

Submission:

Labcorp Genetics (formerly Invitae), Labcorp
Classification: Uncertain significance for Genitopatellar syndrome. Last evaluated: 2025-09-01. Review status: criteria provided, single submitter. Criteria: Invitae Variant Classification Sherloc (09022015). Collection method: clinical testing. Allele origin: germline.
Comment: This sequence change replaces alanine, which is neutral and non-polar, with serine, which is neutral and polar, at codon 1937 of the KAT6B protein (p.Ala1937Ser). This variant is present in population databases (rs772444140, gnomAD 0.06%). This variant has not been reported in the literature in individuals affected with KAT6B-related conditions. ClinVar contains an entry for this variant (Variation ID: 300899). An algorithm developed to predict the effect of missense changes on protein structure and function (PolyPhen-2) suggests that this variant is likely to be disruptive. In summary, the available evidence is currently insufficient to determine the role of this variant in disease. Therefore, it has been classified as a Variant of Uncertain Significance.